The following is an entry in ClinVar:

NM_017654.4(SAMD9):c.556G>A (p.Gly186Arg)

Gene: SAMD9 (sterile alpha motif domain containing 9; minus strand). Cytogenetic location: 7q21.2.
Variant type: single nucleotide variant.
Coding change: c.556G>A on transcript NM_017654.4 (MANE Select); coding-DNA position 556, G replaced by A.
Protein change: p.Gly186Arg; replaces glycine 186 with arginine.
Molecular consequence: missense variant.
Genome position (GRCh38, 1-based): chr7:93,105,542, C>T on the plus strand (G>A on the coding strand, the complement: SAMD9 is on the minus strand). VCF-style: chr7-93105542-C-T. GRCh37 (hg19) VCF-style: chr7-92734855-C-T.
Other names: c.556G>A, p.Gly186Arg (NM_001193307.2); c.556G>A (NM_017654.3); short protein forms G186R.
Identifiers: ClinVar variation 3609517 (VCV003609517.3).

ClinVar aggregate classification (germline): Uncertain significance. Review status: criteria provided, multiple submitters, no conflicts (2 of 4 stars). 2 submissions from 2 submitters: Uncertain significance (2). Last evaluated 2025-01-01.

Conditions:
Inborn genetic diseases. Identifiers: MedGen C0950123, MeSH D030342.

gnomAD v4.1: 3 of 1,613,940 alleles (0.00019%); highest among the groups gnomAD compares: African/African-American, 0.004%; no homozygotes.

Submissions (2):

Ambry Genetics
Classification: Uncertain significance for Inborn genetic diseases. Last evaluated: 2025-01-01. Review status: criteria provided, single submitter. Criteria: Ambry Variant Classification Scheme 2023. Collection method: clinical testing. Allele origin: germline.
Comment: The p.G186R variant (also known as c.556G>A), located in coding exon 1 of the SAMD9 gene, results from a G to A substitution at nucleotide position 556. The glycine at codon 186 is replaced by arginine, an amino acid with dissimilar properties. This amino acid position is conserved. In addition, the in silico prediction for this alteration is inconclusive. Based on the available evidence, the clinical significance of this variant remains unclear.

Labcorp Genetics (formerly Invitae), Labcorp
Classification: Uncertain significance. Last evaluated: 2024-08-09. Review status: criteria provided, single submitter. Criteria: Invitae Variant Classification Sherloc (09022015). Collection method: clinical testing. Allele origin: germline.
Comment: This sequence change replaces glycine, which is neutral and non-polar, with arginine, which is basic and polar, at codon 186 of the SAMD9 protein (p.Gly186Arg). This variant is present in population databases (rs377222750, gnomAD 0.007%). This variant has not been reported in the literature in individuals affected with SAMD9-related conditions. Advanced modeling of protein sequence and biophysical properties (such as structural, functional, and spatial information, amino acid conservation, physicochemical variation, residue mobility, and thermodynamic stability) has been performed at Invitae for this missense variant, however the output from this modeling did not meet the statistical confidence thresholds required to predict the impact of this variant on SAMD9 protein function. In summary, the available evidence is currently insufficient to determine the role of this variant in disease. Therefore, it has been classified as a Variant of Uncertain Significance.